The following is an entry in ClinVar:

NM_001848.3(COL6A1):c.2713G>A (p.Asp905Asn)

Gene: COL6A1 (collagen type VI alpha 1 chain; plus strand). Cytogenetic location: 21q22.3.
Variant type: single nucleotide variant.
Coding change: c.2713G>A on transcript NM_001848.3 (MANE Select); coding-DNA position 2713, G replaced by A.
Protein change: p.Asp905Asn; replaces aspartic acid 905 with asparagine.
Molecular consequence: missense variant.
Genome position (GRCh38, 1-based): chr21:46,003,639, G>A. VCF-style: chr21-46003639-G-A. GRCh37 (hg19) VCF-style: chr21-47423553-G-A.
Other names: short protein forms D905N.
Identifiers: ClinVar variation 597973 (VCV000597973.16), dbSNP rs149331149, ClinGen allele CA10071010.
Genomic context (GRCh38, chr21:46,003,639, plus strand): 5'-CGCCCAGAGCGGGCGTCGCTGCAGTTCCTGCAGAACTACACGGCCCTGGCCAGTGCCGTC[G>A]ATGCCATGGACTTTATCAACGACGCCACCGACGTCAACGATGCCCTGGGCTATGTGACCC-3'
Protein context (NP_001839.2, residues 895-915): QNYTALASAV[Asp905Asn]AMDFINDATD

ClinVar aggregate classification (germline): Conflicting classifications of pathogenicity. Review status: criteria provided, conflicting classifications (1 of 4 stars). 5 submissions from 5 submitters: Uncertain significance (4); Likely benign (1). Last evaluated 2025-01-28.

Conditions:
Inborn genetic diseases. Identifiers: MedGen C0950123, MeSH D030342.
Bethlem myopathy 1A. Also called: Bethlem Muscular Dystrophy; MYOPATHY, BENIGN CONGENITAL, WITH CONTRACTURES; Bethlem myopathy 1. Identifiers: Orphanet 610, MedGen CN029274, MONDO:0024530, OMIM 158810.

Allele frequency attached by ClinVar (database versions not stated): gnomAD exomes 0.00002; ESP Exome Variant Server 0.00008.
gnomAD v4.1: 19 of 1,613,036 alleles (0.0012%); highest among the groups gnomAD compares: South Asian, 0.0044%; no homozygotes.

Submissions (5):

Labcorp Genetics (formerly Invitae), Labcorp
Classification: Likely benign for Bethlem myopathy 1A. Last evaluated: 2025-01-28. Review status: criteria provided, single submitter. Criteria: Invitae Variant Classification Sherloc (09022015). Collection method: clinical testing. Allele origin: germline.

GeneDx
Classification: Uncertain significance. Last evaluated: 2024-06-12. Review status: criteria provided, single submitter. Criteria: GeneDx Variant Classification Process June 2021. Collection method: clinical testing. Allele origin: germline. Affected: yes.
Comment: In silico analysis supports that this missense variant has a deleterious effect on protein structure/function; Has not been previously published as pathogenic or benign to our knowledge

Ambry Genetics
Classification: Uncertain significance for Inborn genetic diseases. Last evaluated: 2024-04-30. Review status: criteria provided, single submitter. Criteria: Ambry Variant Classification Scheme 2023. Collection method: clinical testing. Allele origin: germline.

Blueprint Genetics
Classification: Uncertain significance. Last evaluated: 2023-09-21. Review status: criteria provided, single submitter. Criteria: ACMG Guidelines, 2015. Collection method: clinical testing. Allele origin: germline.

Eurofins Ntd Llc (ga)
Classification: Uncertain significance. Last evaluated: 2018-07-12. Review status: criteria provided, single submitter. Criteria: EGL ClinVar v180209 classification definitions. Collection method: clinical testing. Allele origin: germline. Observed: 1 variant allele, 1 heterozygote.